The following is an entry in ClinVar:

NM_001206927.2(DNAH8):c.2862_2863insAGAAGTACTTT (p.Gly955fs)

Gene: DNAH8 (dynein axonemal heavy chain 8; plus strand). Cytogenetic location: 6p21.2.
Variant type: Insertion.
Coding change: c.2862_2863insAGAAGTACTTT on transcript NM_001206927.2 (MANE Select); coding-DNA positions 2862 to 2863, AGAAGTACTTT inserted.
Protein change: p.Gly955fs; shifts the reading frame from glycine 955.
Molecular consequence: frameshift variant.
Genome position: GRCh38 VCF-style: chr6-38791634-G-GTAGAAGTACTT. GRCh37 (hg19) VCF-style: chr6-38759410-G-GTAGAAGTACTT.
Other names: c.2211_2212insAGAAGTACTTT, p.Gly738fs (NM_001371.4); short protein forms G738fs, G955fs.
Identifiers: ClinVar variation 5019872 (VCV005019872.2).

ClinVar aggregate classification (germline): Likely pathogenic (1 of 4 stars; one submission).

Conditions:
Spermatogenic failure 46. Identifiers: MedGen C5436799, MONDO:0033673, OMIM 619095.

Submission:

Juno Genomics, Hangzhou Juno Genomics, Inc
Classification: Likely pathogenic for Spermatogenic failure 46. Review status: criteria provided, single submitter. Criteria: ACMG Guidelines, 2015. Collection method: clinical testing. Allele origin: germline.
Comment: Absent from controls (or at extremely low frequency if recessive) in Genome Aggregation Database.;Null variant in a gene where loss of function (LOF) is a known mechanism of disease.